The following is an entry in ClinVar:

ClinVar aggregate classification (germline): Likely benign. Review status: criteria provided, multiple submitters, no conflicts (2 of 4 stars). 7 submissions from 7 submitters: Likely benign (7). Last evaluated 2025-10-26.

Conditions:
PRKAG2-related disorder. Also called: PRKAG2-related disorders; PRKAG2-related condition.
Lethal congenital glycogen storage disease of heart. Also called: GLYCOGEN STORAGE DISEASE OF HEART; PHOSPHORYLASE KINASE DEFICIENCY OF HEART. Identifiers: Orphanet 439854, MedGen C1849813, MONDO:0009867, OMIM 261740.
Cardiovascular phenotype. Identifiers: MedGen CN230736.
Hypertrophic cardiomyopathy. Also called: HYPERTROPHIC MYOCARDIOPATHY. Identifiers: Orphanet 217569, MedGen C0007194, MeSH D002312, MONDO:0005045, HP:0001639.
Cardiomyopathy (CMYO). Also called: Cardiomyopathies. Identifiers: Orphanet 167848, MedGen C0878544, MONDO:0004994, HP:0001638. Inheritance: Various modes of inheritance.

Allele frequency attached by ClinVar (database versions not stated): ExAC 0.00002; gnomAD exomes 0.00002; gnomAD 0.00003; TOPMed 0.00010; ESP Exome Variant Server 0.00015.
gnomAD v4.1: 31 of 1,613,866 alleles (0.0019%); highest among the groups gnomAD compares: Middle Eastern, 0.082%; 1 homozygote.

Submissions (7):

Labcorp Genetics (formerly Invitae), Labcorp
Classification: Likely benign for Lethal congenital glycogen storage disease of heart. Last evaluated: 2025-10-26. Review status: criteria provided, single submitter. Criteria: Invitae Variant Classification Sherloc (09022015). Collection method: clinical testing. Allele origin: germline.

PreventionGenetics, part of Exact Sciences
Classification: Likely benign for PRKAG2-related condition. Last evaluated: 2025-07-08. Review status: criteria provided, single submitter. Criteria: ACMG Guidelines, 2015. Collection method: clinical testing. Allele origin: germline.
Comment: This variant is classified as likely benign based on ACMG/AMP sequence variant interpretation guidelines (Richards et al. 2015 PMID: 25741868, with internal and published modifications).

Blueprint Genetics
Classification: Likely benign. Last evaluated: 2024-02-21. Review status: criteria provided, single submitter. Criteria: ACMG Guidelines, 2015. Collection method: clinical testing. Allele origin: germline.

All of Us Research Program, National Institutes of Health
Classification: Likely benign for Hypertrophic cardiomyopathy. Last evaluated: 2023-12-18. Review status: criteria provided, single submitter. Criteria: ACMG Guidelines, 2015. Collection method: clinical testing. Allele origin: germline. Inheritance: Autosomal dominant inheritance. Observed: 6 variant alleles, 6 heterozygotes.
Comment: This study involves interpretation of variants in research participants for the purpose of population health screening. Participant phenotype was not available at the time of variant classification. Additional details can be found in publication PMID: 35346344, PMCID: PMC8962531

GeneDx
Classification: Likely benign. Last evaluated: 2020-11-17. Review status: criteria provided, single submitter. Criteria: GeneDx Variant Classification Process June 2021. Collection method: clinical testing. Allele origin: germline. Affected: yes.

Ambry Genetics
Classification: Likely benign for Cardiovascular phenotype. Last evaluated: 2018-08-25. Review status: criteria provided, single submitter. Criteria: Ambry Variant Classification Scheme 2023. Collection method: clinical testing. Allele origin: germline.

Color Diagnostics, LLC DBA Color Health
Classification: Likely benign for Cardiomyopathy. Last evaluated: 2018-03-23. Review status: criteria provided, single submitter. Criteria: ACMG Guidelines, 2015. Collection method: clinical testing. Allele origin: germline.

NM_016203.4(PRKAG2):c.342G>A (p.Pro114=)

Gene: PRKAG2 (protein kinase AMP-activated non-catalytic subunit gamma 2; minus strand). Cytogenetic location: 7q36.1.
Variant type: single nucleotide variant.
Coding change: c.342G>A on transcript NM_016203.4 (MANE Select); coding-DNA position 342, G replaced by A.
Protein change: p.Pro114=; no amino-acid change (proline 114 retained).
Molecular consequence: synonymous variant.
Genome position (GRCh38, 1-based): chr7:151,781,276, C>T on the plus strand (G>A on the coding strand, the complement: PRKAG2 is on the minus strand). VCF-style: chr7-151781276-C-T. GRCh37 (hg19) VCF-style: chr7-151478362-C-T.
Other names: c.210G>A, p.Pro70= (NM_001040633.2).
Identifiers: ClinVar variation 701501 (VCV000701501.19), dbSNP rs147365679, ClinGen allele CA056840.
Genomic context (GRCh38, chr7:151,781,276, plus strand): 5'-AGACTCTTTGGAGGAGGAGCGGAAGATCCCACTGAAGCTCATGCGTCGAGGGGAGCGTGG[C>T]GGGGACTCCTGGTAGGAGAACGGGAACACGGTTTTGGGAGAGCCGGGGCTGGTCTTGGGC-3'
Protein context (NP_057287.2, residues 104-124): TVFPFSYQES[Pro114=]PRSPRRMSFS